The following is an entry in ClinVar:

ClinVar aggregate classification (germline): Uncertain significance (1 of 4 stars; one submission).

Conditions:
Severe combined immunodeficiency due to CORO1A deficiency. Also called: Immunodeficiency 8; IMMUNODEFICIENCY 8 WITH LYMPHOPROLIFERATION. Identifiers: Orphanet 228003, MedGen C3809383, MONDO:0014168, OMIM 615401.

Allele frequency attached by ClinVar (database versions not stated): TOPMed below 0.00001; gnomAD 0.00001; gnomAD exomes 0.00001 and 0.00002; ExAC 0.00003.
gnomAD v4.1: 19 of 1,611,760 alleles (0.0012%); highest among the groups gnomAD compares: African/African-American, 0.0013%; no homozygotes.

Submission:

Labcorp Genetics (formerly Invitae), Labcorp
Classification: Uncertain significance for Severe combined immunodeficiency due to CORO1A deficiency. Last evaluated: 2018-08-26. Review status: criteria provided, single submitter. Criteria: Invitae Variant Classification Sherloc (09022015). Collection method: clinical testing. Allele origin: germline.
Comment: Algorithms developed to predict the effect of missense changes on protein structure and function (SIFT, PolyPhen-2, Align-GVGD) all suggest that this variant is likely to be tolerated, but these predictions have not been confirmed by published functional studies and their clinical significance is uncertain. This variant has not been reported in the literature in individuals with CORO1A-related disease. This variant is present in population databases (rs779055659, ExAC 0.02%). This sequence change replaces arginine with glutamine at codon 121 of the CORO1A protein (p.Arg121Gln). The arginine residue is moderately conserved and there is a small physicochemical difference between arginine and glutamine. Algorithms developed to predict the effect of sequence changes on RNA splicing suggest that this variant may create or strengthen a splice site, but this prediction has not been confirmed by published transcriptional studies. In summary, the available evidence is currently insufficient to determine the role of this variant in disease. Therefore, it has been classified as a Variant of Uncertain Significance.

NM_007074.4(CORO1A):c.362G>A (p.Arg121Gln)

Gene: CORO1A (coronin 1A; plus strand). Cytogenetic location: 16p11.2.
Variant type: single nucleotide variant.
Coding change: c.362G>A on transcript NM_007074.4 (MANE Select); coding-DNA position 362, G replaced by A.
Protein change: p.Arg121Gln; replaces arginine 121 with glutamine.
Molecular consequence: missense variant.
Genome position (GRCh38, 1-based): chr16:30,186,856, G>A. VCF-style: chr16-30186856-G-A. GRCh37 (hg19) VCF-style: chr16-30198177-G-A.
Other names: c.362G>A, p.Arg121Gln (NM_001193333.3); short protein forms R121Q.
Identifiers: ClinVar variation 651336 (VCV000651336.8), dbSNP rs779055659, ClinGen allele CA8003104.